The following is an entry in ClinVar:

NM_000702.4(ATP1A2):c.*86G>A

Gene: ATP1A2 (ATPase Na+/K+ transporting subunit alpha 2; plus strand). Cytogenetic location: 1q23.2.
Variant type: single nucleotide variant.
Coding change: c.*86G>A on transcript NM_000702.4 (MANE Select); 86 bases downstream of the stop codon, G replaced by A.
Molecular consequence: 3 prime UTR variant.
Genome position (GRCh38, 1-based): chr1:160,141,408, G>A. VCF-style: chr1-160141408-G-A. GRCh37 (hg19) VCF-style: chr1-160111198-G-A.
Identifiers: ClinVar variation 876741 (VCV000876741.4), dbSNP rs368064571, ClinGen allele CA31507168.
Genomic context (GRCh38, chr1:160,141,408, plus strand): 5'-GGAAAGATGGGGAGCTCTGGAGGTGTTGTGGGGATGGTGATGGAGAGGGATGGAAATAAC[G>A]GGTGGCATTGGGTGGCAACATTTGGGGAGAGATAATGAGGCAACTCAGCAGGCTAAGTTG-3'

ClinVar aggregate classification (germline): Benign. Review status: criteria provided, single submitter (1 of 4 stars). 2 submissions from 1 submitter: Benign (2). Last evaluated 2018-03-26.

Conditions:
Alternating hemiplegia of childhood 1 (AHC1). Identifiers: Orphanet 2131, MedGen C3549447, MONDO:0007087, OMIM 104290.
Migraine, familial hemiplegic, 2. Identifiers: Orphanet 569, MedGen C1865322, MONDO:0011232, OMIM 602481.

Allele frequency attached by ClinVar (database versions not stated): gnomAD exomes 0.00017; 1000 Genomes Project 0.00060; 1000 Genomes Project 30x 0.00062; gnomAD 0.00092 and 0.00099; TOPMed 0.00105; ESP Exome Variant Server 0.00131.

Submissions (2):

Illumina Laboratory Services, Illumina
Classification: Benign for Alternating hemiplegia of childhood 1. Last evaluated: 2018-03-26. Review status: criteria provided, single submitter. Criteria: ICSL Variant Classification Criteria 13 December 2019. Collection method: clinical testing. Allele origin: germline.
Comment: This variant was observed in the ICSL laboratory as part of a predisposition screen in an ostensibly healthy population. It had not been previously curated by ICSL or reported in the Human Gene Mutation Database (HGMD: prior to June 1st, 2018), and was therefore a candidate for classification through an automated scoring system. Utilizing variant allele frequency, disease prevalence and penetrance estimates, and inheritance mode, an automated score was calculated to assess if this variant is too frequent to cause the disease. Based on the score and internal cut-off values, a variant classified as benign is not then subjected to further curation. The score for this variant resulted in a classification of benign for this disease.

Illumina Laboratory Services, Illumina
Classification: Benign for Migraine, familial hemiplegic, 2. Last evaluated: 2018-03-26. Review status: criteria provided, single submitter. Criteria: ICSL Variant Classification Criteria 13 December 2019. Collection method: clinical testing. Allele origin: germline.
Comment: the same text as in the submission from Illumina Laboratory Services, Illumina above.